The following is an entry in ClinVar:

ClinVar aggregate classification (germline): Uncertain significance (1 of 4 stars; one submission).

Conditions:
Luscan-Lumish syndrome. Identifiers: Orphanet 597738, MedGen C4085873, MONDO:0014791, OMIM 616831.

Submission:

Labcorp Genetics (formerly Invitae), Labcorp
Classification: Uncertain significance for Luscan-Lumish syndrome. Last evaluated: 2023-01-07. Review status: criteria provided, single submitter. Criteria: Invitae Variant Classification Sherloc (09022015). Collection method: clinical testing. Allele origin: germline.
Comment: In summary, the available evidence is currently insufficient to determine the role of this variant in disease. Therefore, it has been classified as a Variant of Uncertain Significance. Advanced modeling of protein sequence and biophysical properties (such as structural, functional, and spatial information, amino acid conservation, physicochemical variation, residue mobility, and thermodynamic stability) performed at Invitae indicates that this missense variant is not expected to disrupt SETD2 protein function. This variant has not been reported in the literature in individuals affected with SETD2-related conditions. This sequence change replaces asparagine, which is neutral and polar, with histidine, which is basic and polar, at codon 1224 of the SETD2 protein (p.Asn1224His). This variant is not present in population databases (gnomAD no frequency).

NM_014159.7(SETD2):c.3670A>C (p.Asn1224His)

Gene: SETD2 (SET domain containing 2, histone lysine methyltransferase; minus strand). Cytogenetic location: 3p21.31.
Variant type: single nucleotide variant.
Coding change: c.3670A>C on transcript NM_014159.7 (MANE Select); coding-DNA position 3670, A replaced by C.
Protein change: p.Asn1224His; replaces asparagine 1224 with histidine.
Molecular consequence: missense variant. On other transcripts: non-coding transcript variant (1).
Genome position (GRCh38, 1-based): chr3:47,120,966, T>G on the plus strand (A>C on the coding strand, the complement: SETD2 is on the minus strand). VCF-style: chr3-47120966-T-G. GRCh37 (hg19) VCF-style: chr3-47162456-T-G.
Other names: c.3538A>C, p.Asn1180His (NM_001349370.3); short protein forms N1180H, N1224H.
Identifiers: ClinVar variation 2826768 (VCV002826768.3), dbSNP rs2107748016, ClinGen allele CA352521616.